The following is an entry in ClinVar:

ClinVar aggregate classification (germline): Uncertain significance (1 of 4 stars; one submission).

Conditions:
Charcot-Marie-Tooth disease axonal type 2P. Also called: CHARCOT-MARIE-TOOTH NEUROPATHY, TYPE 2P; Charcot-Marie-Tooth Neuropathy Type 2G; CHARCOT-MARIE-TOOTH DISEASE, AXONAL, TYPE 2G; CMT 2G. Identifiers: Orphanet 300319, Orphanet 99941, MedGen C3280797, MONDO:0013753, OMIM 614436.

Allele frequency attached by ClinVar (database versions not stated): ExAC 0.00001; gnomAD 0.00001 and 0.00002; TOPMed 0.00001; gnomAD exomes 0.00002.
gnomAD v4.1: 34 of 1,613,126 alleles (0.0021%); highest among the groups gnomAD compares: Non-Finnish European, 0.0029%; no homozygotes.

Submission:

Labcorp Genetics (formerly Invitae), Labcorp
Classification: Uncertain significance for Charcot-Marie-Tooth disease axonal type 2P. Last evaluated: 2024-08-12. Review status: criteria provided, single submitter. Criteria: Invitae Variant Classification Sherloc (09022015). Collection method: clinical testing. Allele origin: germline.
Comment: This sequence change replaces glycine, which is neutral and non-polar, with cysteine, which is neutral and slightly polar, at codon 617 of the LRSAM1 protein (p.Gly617Cys). This variant is present in population databases (rs770758847, gnomAD 0.004%). This missense change has been observed in individual(s) with clinical features of LRSAM1-related conditions (Invitae). ClinVar contains an entry for this variant (Variation ID: 834633). Advanced modeling of protein sequence and biophysical properties (such as structural, functional, and spatial information, amino acid conservation, physicochemical variation, residue mobility, and thermodynamic stability) performed at Invitae indicates that this missense variant is expected to disrupt LRSAM1 protein function with a positive predictive value of 80%. In summary, the available evidence is currently insufficient to determine the role of this variant in disease. Therefore, it has been classified as a Variant of Uncertain Significance.

NM_001005373.4(LRSAM1):c.1849G>T (p.Gly617Cys)

Gene: LRSAM1 (leucine rich repeat and sterile alpha motif containing 1; plus strand). Cytogenetic location: 9q33.3.
Variant type: single nucleotide variant.
Coding change: c.1849G>T on transcript NM_001005373.4 (MANE Select); coding-DNA position 1849, G replaced by T.
Protein change: p.Gly617Cys; replaces glycine 617 with cysteine.
Molecular consequence: missense variant. On other transcripts: non-coding transcript variant (2).
Genome position (GRCh38, 1-based): chr9:127,497,271, G>T. VCF-style: chr9-127497271-G-T. GRCh37 (hg19) VCF-style: chr9-130259550-G-T.
Other names: c.1849G>T, p.Gly617Cys (NM_001005374.4, NM_001384142.1, NM_138361.5); c.1768G>T, p.Gly590Cys (NM_001190723.3); c.1750G>T, p.Gly584Cys (NM_001384143.1); c.1060G>T, p.Gly354Cys (NM_001384144.1); short protein forms G590C, G617C, G354C, G584C.
Identifiers: ClinVar variation 834633 (VCV000834633.7), dbSNP rs770758847, ClinGen allele CA5247163.
Genomic context (GRCh38, chr9:127,497,271, plus strand): 5'-TCCCGCCCAGGCCACAGTCTGCACTTCCTTGAACTGTCACAGGTGGGCGTCTCAGAAGCT[G>T]GCCTGCAGCACGAGATCCTCCGGAGAGTCCAGGAACTGCTGGATGCAGCCAGGATCCAGC-3'
Protein context (NP_001005373.1, residues 607-627): DLAKVGVSEA[Gly617Cys]LQHEILRRVQ